The following is an entry in ClinVar:

ClinVar aggregate classification (germline): Uncertain significance (1 of 4 stars; one submission).

Submission:

Labcorp Genetics (formerly Invitae), Labcorp
Classification: Uncertain significance. Last evaluated: 2024-10-16. Review status: criteria provided, single submitter. Criteria: Invitae Variant Classification Sherloc (09022015). Collection method: clinical testing. Allele origin: germline.
Comment: This sequence change falls in intron 17 of the RHBDF2 gene. It does not directly change the encoded amino acid sequence of the RHBDF2 protein. It affects a nucleotide within the consensus splice site. This variant is not present in population databases (gnomAD no frequency). This variant has not been reported in the literature in individuals affected with RHBDF2-related conditions. Variants that disrupt the consensus splice site are a relatively common cause of aberrant splicing (PMID: 17576681, 9536098). Algorithms developed to predict the effect of sequence changes on RNA splicing suggest that this variant is not likely to affect RNA splicing. In summary, the available evidence is currently insufficient to determine the role of this variant in disease. Therefore, it has been classified as a Variant of Uncertain Significance.

Literature cited by the submitters: PubMed 17576681; PubMed 9536098.

NM_001005498.4(RHBDF2):c.1910+6A>T

Gene: RHBDF2 (rhomboid 5 homolog 2; minus strand). Cytogenetic location: 17q25.1.
Variant type: single nucleotide variant.
Coding change: c.1910+6A>T on transcript NM_001005498.4 (MANE Select); 6 bases into the intron after coding-DNA position 1910, A replaced by T.
Molecular consequence: intron variant.
Genome position (GRCh38, 1-based): chr17:76,472,999, T>A on the plus strand (A>T on the coding strand, the complement: RHBDF2 is on the minus strand). VCF-style: chr17-76472999-T-A. GRCh37 (hg19) VCF-style: chr17-74469081-T-A.
Other names: c.1997+6A>T (NM_024599.5); c.1910+6A>T (NM_001376230.1, NM_001376228.1, NM_001376229.1).
Identifiers: ClinVar variation 3722993 (VCV003722993.2).